The following is an entry in ClinVar:

ClinVar aggregate classification (germline): Conflicting classifications of pathogenicity. Review status: criteria provided, conflicting classifications (1 of 4 stars). 5 submissions from 5 submitters: Uncertain significance (2); Likely benign (3). Last evaluated 2026-02-01.

Conditions:
RPGR-related disorder. Also called: RPGR-related condition.
Primary ciliary dyskinesia. Also called: Ciliary dyskinesia. Identifiers: Orphanet 244, MedGen C0008780, MONDO:0016575, HP:0012265.
X-linked cone-rod dystrophy 1 (CORDX1). Identifiers: Orphanet 1872, MedGen C1844776, MONDO:0010566, OMIM 304020.
Macular degeneration, X-linked atrophic. Identifiers: Orphanet 1872, MedGen C3151784, MONDO:0010443, OMIM 300834.
Retinitis pigmentosa 3. Also called: CHOROIDORETINAL DEGENERATION WITH RETINAL REFLEX IN HETEROZYGOUS WOMEN. Identifiers: Orphanet 791, MedGen C1845667, MONDO:0010227, OMIM 300029.
Retinitis pigmentosa, X-linked, and sinorespiratory infections, with or without deafness (RPSRDF). Identifiers: Orphanet 247522, MedGen C2749137, OMIM 300455.

Submissions (5):

CeGaT Center for Human Genetics Tuebingen
Classification: Likely benign. Last evaluated: 2026-02-01. Review status: criteria provided, single submitter. Criteria: CeGaT Center For Human Genetics Tuebingen Variant Classification Criteria Version 2. Collection method: clinical testing. Allele origin: germline. Affected: yes. Observed: 7 variant alleles.
Comment: RPGR: BS2

Labcorp Genetics (formerly Invitae), Labcorp
Classification: Uncertain significance for Primary ciliary dyskinesia. Last evaluated: 2025-01-20. Review status: criteria provided, single submitter. Criteria: Invitae Variant Classification Sherloc (09022015). Collection method: clinical testing. Allele origin: germline.
Comment: This variant, c.2203_2226del, results in the deletion of 8 amino acid(s) of the RPGR (ORF15) protein (p.His735_Glu742del), but otherwise preserves the integrity of the reading frame. The frequency data for this variant in the population databases is considered unreliable, as metrics indicate poor data quality at this position in the gnomAD database. This variant has been observed in individual(s) with macular and cone/cone-rod dystrophy and/or X-linked retinitis pigmentosa (PMID: 29555955, 32326409, 35836572). ClinVar contains an entry for this variant (Variation ID: 1462786). Experimental studies and prediction algorithms are not available or were not evaluated, and the functional significance of this variant is currently unknown. In summary, the available evidence is currently insufficient to determine the role of this variant in disease. Therefore, it has been classified as a Variant of Uncertain Significance.

Blueprint Genetics
Classification: Likely benign. Last evaluated: 2024-11-20. Review status: criteria provided, single submitter. Criteria: ACMG Guidelines, 2015. Collection method: clinical testing. Allele origin: germline.

PreventionGenetics, part of Exact Sciences
Classification: Likely benign for RPGR-related condition. Last evaluated: 2024-11-01. Review status: criteria provided, single submitter. Criteria: ACMG Guidelines, 2015. Collection method: clinical testing. Allele origin: germline.
Comment: This variant is classified as likely benign based on ACMG/AMP sequence variant interpretation guidelines (Richards et al. 2015 PMID: 25741868, with internal and published modifications).

Department of Pathology and Laboratory Medicine, Sinai Health System
Classification: Uncertain significance for Retinitis pigmentosa 3; Retinitis pigmentosa, X-linked, and sinorespiratory infections, with or without deafness; Macular degeneration, X-linked atrophic; X-linked cone-rod dystrophy 1. Last evaluated: 2022-05-30. Review status: criteria provided, single submitter. Criteria: ACMG Guidelines, 2015. Collection method: research. Allele origin: germline.

Literature cited by the submitters: PubMed 29555955 (cited by Labcorp Genetics (formerly Invitae), Labcorp); PubMed 32326409 (cited by Labcorp Genetics (formerly Invitae), Labcorp); PubMed 35836572 (cited by Labcorp Genetics (formerly Invitae), Labcorp).

NM_001034853.2(RPGR):c.2203_2226del (p.His735_Glu742del)

Gene: RPGR (retinitis pigmentosa GTPase regulator; minus strand). Cytogenetic location: Xp11.4.
Variant type: Deletion.
Coding change: c.2203_2226del on transcript NM_001034853.2 (MANE Select); coding-DNA positions 2203 to 2226, 24 bases deleted (CATGGAGAAGGAGAAGAAGAGGAG).
Protein change: p.His735_Glu742del.
Molecular consequence: inframe deletion. On other transcripts: intron variant (8).
Genome position (GRCh38, 1-based): chrX:38,286,773-38,286,796, CTCCTCTTCTTCTCCTTCTCCATG deleted on the plus strand (CATGGAGAAGGAGAAGAAGAGGAG on the coding strand, the reverse complement: RPGR is on the minus strand); deleting any 24 consecutive bases within chrX:38,286,773-38,286,802 gives the same sequence; the c. name uses the placement nearest the transcript's 3' end. VCF-style (leftmost placement, unchanged base first): chrX-38286772-CCTCCTCTTCTTCTCCTTCTCCATG-C. GRCh37 (hg19) VCF-style: chrX-38146025-CCTCCTCTTCTTCTCCTTCTCCATG-C.
Other names: c.1569+4163_1569+4186del (NM_001367249.1, NM_001367250.1); c.1902+298_1902+321del (NM_001367245.1); c.1386+4163_1386+4186del (NM_001367251.1); c.1719+298_1719+321del (NM_001367246.1); c.1572+4163_1572+4186del (NM_001367247.1); c.1905+298_1905+321del (NM_000328.3); c.1602+4163_1602+4186del (NM_001367248.1); c.2203_2226del24 (NM_001034853.1).
Identifiers: ClinVar variation 1462786 (VCV001462786.26), dbSNP rs768423834, ClinGen allele CA10385298.